The following is an entry in ClinVar:

NM_001365999.1(SZT2):c.4401+1G>A

Gene: SZT2 (SZT2 subunit of KICSTOR complex; plus strand). Cytogenetic location: 1p34.2.
Variant type: single nucleotide variant.
Coding change: c.4401+1G>A on transcript NM_001365999.1 (MANE Select); the canonical splice donor site of the intron after coding-DNA position 4401, G replaced by A.
Molecular consequence: splice donor variant.
Genome position (GRCh38, 1-based): chr1:43,430,104, G>A. VCF-style: chr1-43430104-G-A. GRCh37 (hg19) VCF-style: chr1-43895775-G-A.
Other names: c.4230+1G>A (NM_015284.4).
Identifiers: ClinVar variation 3236411 (VCV003236411.2), dbSNP rs2545825608, ClinGen allele CA340021102.

ClinVar aggregate classification (germline): Likely pathogenic (1 of 4 stars; one submission).

Conditions:
Developmental and epileptic encephalopathy, 18 (DEE18). Also called: Early infantile epileptic encephalopathy 18. Identifiers: Orphanet 369894, MedGen C3809624, MONDO:0014201, OMIM 615476.

Submission:

Neuberg Centre For Genomic Medicine, NCGM
Classification: Likely pathogenic for Developmental and epileptic encephalopathy, 18. Review status: criteria provided, single submitter. Criteria: ACMG Guidelines, 2015. Collection method: clinical testing. Allele origin: germline. Inheritance: Autosomal recessive inheritance. Affected: yes.
Comment: The invariant splice donor c.4401+1G>A in SZT2 gene has not been reported previously as a pathogenic variant nor as a benign variant, to our knowledge. The c.4401+1G>A variant is novel not in any individuals in 1000 Genomes and gnomAD Exomes. This variant has not been reported to the ClinVar database. Loss of function variants have been previously reported to be disease causing. For these reasons, this variant has been classified as Likely Pathogenic.